The following is an entry in ClinVar:

NM_000179.3(MSH6):c.117G>C (p.Gly39=)

Gene: MSH6 (mutS homolog 6; plus strand). Cytogenetic location: 2p16.3.
Variant type: single nucleotide variant.
Coding change: c.117G>C on transcript NM_000179.3 (MANE Select); coding-DNA position 117, G replaced by C.
Protein change: p.Gly39=; no amino-acid change (glycine 39 retained).
Molecular consequence: synonymous variant. On other transcripts: 5 prime UTR variant (1).
Genome position (GRCh38, 1-based): chr2:47,783,350, G>C. VCF-style: chr2-47783350-G-C. GRCh37 (hg19) VCF-style: chr2-48010489-G-C.
Other names: c.117G>C, p.Gly39= (NM_001281492.2); c.-620G>C (NM_001281493.2).
Identifiers: ClinVar variation 761423 (VCV000761423.12), dbSNP rs756673077, ClinGen allele CA067280.

ClinVar aggregate classification (germline): Benign/Likely benign. Review status: criteria provided, multiple submitters, no conflicts (2 of 4 stars). 2 submissions from 2 submitters: Benign (1); Likely benign (1). Last evaluated 2024-12-17.

Conditions:
Hereditary nonpolyposis colorectal neoplasms. Identifiers: MedGen C0009405, MeSH D003123.
Lynch syndrome 5 (LYNCH5). Also called: Colorectal cancer, hereditary nonpolyposis, type 5; Hereditary non-polyposis colorectal cancer, type 5. Identifiers: Orphanet 144, MedGen C1833477, MONDO:0013710, OMIM 614350. Disease mechanism: loss of function.

Submissions (2):

Myriad Genetics, Inc.
Classification: Benign for Lynch syndrome 5. Last evaluated: 2024-12-17. Review status: criteria provided, single submitter. Criteria: Myriad Autosomal Dominant, Autosomal Recessive and X-Linked Classification Criteria (2023). Collection method: clinical testing. Allele origin: unknown.
Comment: This variant is considered benign. This variant is a silent/synonymous amino acid change and it is not expected to impact splicing.

Labcorp Genetics (formerly Invitae), Labcorp
Classification: Likely benign for Hereditary nonpolyposis colorectal neoplasms. Last evaluated: 2024-04-28. Review status: criteria provided, single submitter. Criteria: Invitae Variant Classification Sherloc (09022015). Collection method: clinical testing. Allele origin: germline.